The following is an entry in ClinVar:

ClinVar aggregate classification (germline): Uncertain significance (1 of 4 stars; one submission).

Allele frequency attached by ClinVar (database versions not stated): gnomAD 0.00002; gnomAD exomes 0.00002; TOPMed 0.00002; ExAC 0.00005; 1000 Genomes Project 0.00060; 1000 Genomes Project 30x 0.00062.
gnomAD v4.1: 36 of 1,613,242 alleles (0.0022%); highest among the groups gnomAD compares: East Asian, 0.078%; no homozygotes.

Submission:

Labcorp Genetics (formerly Invitae), Labcorp
Classification: Uncertain significance. Last evaluated: 2025-09-24. Review status: criteria provided, single submitter. Criteria: Invitae Variant Classification Sherloc (09022015). Collection method: clinical testing. Allele origin: germline.
Comment: This sequence change replaces valine, which is neutral and non-polar, with glycine, which is neutral and non-polar, at codon 1465 of the HMCN1 protein (p.Val1465Gly). This variant is present in population databases (rs189242112, gnomAD 0.07%), and has an allele count higher than expected for a pathogenic variant. This variant has not been reported in the literature in individuals affected with HMCN1-related conditions. ClinVar contains an entry for this variant (Variation ID: 2180580). An algorithm developed to predict the effect of missense changes on protein structure and function (PolyPhen-2) suggests that this variant is likely to be disruptive. In summary, the available evidence is currently insufficient to determine the role of this variant in disease. Therefore, it has been classified as a Variant of Uncertain Significance.

NM_031935.3(HMCN1):c.4394T>G (p.Val1465Gly)

Gene: HMCN1 (hemicentin 1; plus strand). Cytogenetic location: 1q31.1.
Variant type: single nucleotide variant.
Coding change: c.4394T>G on transcript NM_031935.3 (MANE Select); coding-DNA position 4394, T replaced by G.
Protein change: p.Val1465Gly; replaces valine 1465 with glycine.
Molecular consequence: missense variant.
Genome position (GRCh38, 1-based): chr1:186,003,763, T>G. VCF-style: chr1-186003763-T-G. GRCh37 (hg19) VCF-style: chr1-185972895-T-G.
Other names: short protein forms V1465G.
Identifiers: ClinVar variation 2180580 (VCV002180580.4), dbSNP rs189242112, ClinGen allele CA1291991.